The following is an entry in ClinVar:

NM_002907.4(RECQL):c.1107G>A (p.Val369=)

Gene: RECQL (RecQ like helicase; minus strand). Cytogenetic location: 12p12.1.
Variant type: single nucleotide variant.
Coding change: c.1107G>A on transcript NM_002907.4 (MANE Select); coding-DNA position 1107, G replaced by A.
Protein change: p.Val369=; no amino-acid change (valine 369 retained).
Molecular consequence: synonymous variant.
Genome position (GRCh38, 1-based): chr12:21,475,577, C>T on the plus strand (G>A on the coding strand, the complement: RECQL is on the minus strand). VCF-style: chr12-21475577-C-T. GRCh37 (hg19) VCF-style: chr12-21628511-C-T.
Other names: c.1107G>A, p.Val369= (NM_032941.3).
Identifiers: ClinVar variation 668440 (VCV000668440.10), dbSNP rs774173984, ClinGen allele CA6478856.
Genomic context (GRCh38, chr12:21,475,577, plus strand): 5'-ATGATGGATAACAAACCTCACATCTGGCTTATCAATTCCCATACCAAATGCAACAGTTGC[C>T]ACTACTACCTGAAATATTTTAACATTTTATCAGTTAATTAAATCAAGTTTAAATATTTTA-3'
Protein context (NP_002898.2, residues 359-379): KWSANEIQVV[Val369=]ATVAFGMGID

ClinVar aggregate classification (germline): Likely benign. Review status: criteria provided, multiple submitters, no conflicts (2 of 4 stars). 4 submissions from 4 submitters: Likely benign (3). 1 of the submissions does not count toward it. Last evaluated 2023-06-21.

Conditions:
RECQL-related disorder. Also called: RECQL-related condition.

Allele frequency attached by ClinVar (database versions not stated): gnomAD exomes below 0.00001; ExAC 0.00001; gnomAD 0.00002; TOPMed 0.00002.

Submissions (4):

Labcorp Genetics (formerly Invitae), Labcorp
Classification: Likely benign. Last evaluated: 2023-06-21. Review status: criteria provided, single submitter. Criteria: Invitae Variant Classification Sherloc (09022015). Collection method: clinical testing. Allele origin: germline.

Ambry Genetics
Classification: Likely benign. Last evaluated: 2022-03-29. Review status: criteria provided, single submitter. Criteria: Ambry Variant Classification Scheme 2023. Collection method: clinical testing. Allele origin: germline.

GeneDx
Classification: Likely benign. Last evaluated: 2020-10-19. Review status: criteria provided, single submitter. Criteria: GeneDx Variant Classification Process June 2021. Collection method: clinical testing. Allele origin: germline. Affected: yes.

PreventionGenetics, part of Exact Sciences
Classification: Likely benign for RECQL-related condition. Last evaluated: 2022-05-06. Review status: no assertion criteria provided. Collection method: clinical testing. Allele origin: germline. Not counted in ClinVar's aggregate classification.
Comment: This variant is classified as likely benign based on ACMG/AMP sequence variant interpretation guidelines (Richards et al. 2015 PMID: 25741868, with internal and published modifications).